The following is an entry in ClinVar:

ClinVar aggregate classification (germline): Benign. Review status: criteria provided, multiple submitters, no conflicts (2 of 4 stars). 3 submissions from 3 submitters: Benign (3). Last evaluated 2021-07-01.

Conditions:
Methylmalonic aciduria, cblB type (MACB). Also called: METHYLMALONIC ACIDURIA, VITAMIN B12-RESPONSIVE, DUE TO DEFECT IN SYNTHESIS OF ADENOSYLCOBALAMIN, cblB TYPE; Vitamin B12-responsive methylmalonic acidemia type cblB; Methylmalonic acidemia cblB type. Identifiers: Orphanet 28, Orphanet 79311, MedGen C1855102, MONDO:0009614, OMIM 251110.

Allele frequency attached by ClinVar (database versions not stated): gnomAD exomes 0.51024; 1000 Genomes Project 0.51837; 1000 Genomes Project 30x 0.52655; gnomAD 0.57015 and 0.58164; TOPMed 0.58464.
gnomAD v4.1: 464,578 of 891,568 alleles (52%); highest among the groups gnomAD compares: African/African-American, 74%; 124,893 homozygotes.

Submissions (3):

Pars Genome Lab
Classification: Benign for Methylmalonic aciduria, cblB type. Last evaluated: 2021-07-01. Review status: criteria provided, single submitter. Criteria: ACMG Guidelines, 2015. Collection method: clinical testing. Allele origin: germline. Affected: no.

GeneDx
Classification: Benign. Last evaluated: 2018-06-19. Review status: criteria provided, single submitter. Criteria: GeneDx Variant Classification (06012015). Collection method: clinical testing. Allele origin: germline. Affected: yes.
Comment: This variant is considered likely benign or benign based on one or more of the following criteria: it is a conservative change, it occurs at a poorly conserved position in the protein, it is predicted to be benign by multiple in silico algorithms, and/or has population frequency not consistent with disease.

Breakthrough Genomics
Classification: Benign. Review status: criteria provided, single submitter. Criteria: ACMG Guidelines, 2015. Collection method: not provided. Allele origin: germline. Inheritance: Autosomal recessive inheritance. Affected: yes.

NM_052845.4(MMAB):c.348+105T>C

Gene: MMAB (metabolism of cobalamin associated B; minus strand). Cytogenetic location: 12q24.11.
Variant type: single nucleotide variant.
Coding change: c.348+105T>C on transcript NM_052845.4 (MANE Select); 105 bases into the intron after coding-DNA position 348, T replaced by C.
Molecular consequence: intron variant.
Genome position (GRCh38, 1-based): chr12:109,565,014, A>G on the plus strand (T>C on the coding strand, the complement: MMAB is on the minus strand). VCF-style: chr12-109565014-A-G. GRCh37 (hg19) VCF-style: chr12-110002819-A-G.
Identifiers: ClinVar variation 676151 (VCV000676151.4), dbSNP rs10850380, ClinGen allele CA13632192.